The following is an entry in ClinVar:

NM_000243.3(MEFV):c.1082G>C (p.Arg361Thr)

Gene: MEFV (MEFV innate immunity regulator, pyrin; minus strand). Cytogenetic location: 16p13.3.
Variant type: single nucleotide variant.
Coding change: c.1082G>C on transcript NM_000243.3 (MANE Select); coding-DNA position 1082, G replaced by C.
Protein change: p.Arg361Thr; replaces arginine 361 with threonine.
Molecular consequence: missense variant.
Genome position (GRCh38, 1-based): chr16:3,249,609, C>G on the plus strand (G>C on the coding strand, the complement: MEFV is on the minus strand). VCF-style: chr16-3249609-C-G. GRCh37 (hg19) VCF-style: chr16-3299609-C-G.
Other names: c.449G>C, p.Arg150Thr (NM_001198536.2); short protein forms R361T, R150T.
Identifiers: ClinVar variation 160359 (VCV000160359.5), dbSNP rs190405488, ClinGen allele CA280896.

ClinVar aggregate classification (germline): Conflicting classifications of pathogenicity. Review status: criteria provided, conflicting classifications (1 of 4 stars). 7 submissions from 5 submitters: Uncertain significance (3); Benign (2); Likely benign (1). 1 of the submissions does not count toward it. Last evaluated 2023-02-08.

Conditions:
Familial Mediterranean fever (FMF). Also called: POLYSEROSITIS, FAMILIAL PAROXYSMAL; POLYSEROSITIS, RECURRENT; Periodic peritonitis; Benign paroxysmal peritonitis. Identifiers: Orphanet 342, MedGen C0031069, MONDO:0018088, OMIM 249100. Disease mechanism: gain of function.
Familial Mediterranean fever, autosomal dominant. Also called: FMF, AUTOSOMAL DOMINANT; Dominant Familial Mediterranean Fever. Identifiers: Orphanet 342, MedGen C1851347, MONDO:0007601, OMIM 134610.
Acute febrile neutrophilic dermatosis (AFND). Also called: Sweet Syndrome; Gomm Button disease. Identifiers: Orphanet 3243, MedGen C0085077, MONDO:0011959, OMIM 608068.

Allele frequency attached by ClinVar (database versions not stated): gnomAD exomes 0.00001 and 0.00002; 1000 Genomes Project 0.00080; ExAC 0.00003; gnomAD 0.00002; 1000 Genomes Project 30x 0.00062.
gnomAD v4.1: 19 of 1,614,142 alleles (0.0012%); highest among the groups gnomAD compares: Middle Eastern, 0.033%; no homozygotes.

Submissions (7):

Genome-Nilou Lab
Classification: Likely benign for Familial Mediterranean fever. Last evaluated: 2023-02-08. Review status: criteria provided, single submitter. Criteria: ACMG Guidelines, 2015. Collection method: clinical testing. Allele origin: germline.

Genome-Nilou Lab
Classification: Benign for Familial Mediterranean fever, autosomal dominant. Last evaluated: 2023-02-08. Review status: criteria provided, single submitter. Criteria: ACMG Guidelines, 2015. Collection method: clinical testing. Allele origin: germline.

Genome-Nilou Lab
Classification: Benign for Acute febrile neutrophilic dermatosis. Last evaluated: 2023-02-08. Review status: criteria provided, single submitter. Criteria: ACMG Guidelines, 2015. Collection method: clinical testing. Allele origin: germline.

Labcorp Genetics (formerly Invitae), Labcorp
Classification: Uncertain significance for Familial Mediterranean fever. Last evaluated: 2021-12-07. Review status: criteria provided, single submitter. Criteria: Invitae Variant Classification Sherloc (09022015). Collection method: clinical testing. Allele origin: germline.
Comment: This sequence change replaces arginine, which is basic and polar, with threonine, which is neutral and polar, at codon 361 of the MEFV protein (p.Arg361Thr). This variant is present in population databases (rs190405488, gnomAD 0.03%). This missense change has been observed in individual(s) with recurrent fever (PMID: 25703702). ClinVar contains an entry for this variant (Variation ID: 160359). Algorithms developed to predict the effect of missense changes on protein structure and function (SIFT, PolyPhen-2, Align-GVGD) all suggest that this variant is likely to be tolerated. In summary, the available evidence is currently insufficient to determine the role of this variant in disease. Therefore, it has been classified as a Variant of Uncertain Significance.

Fulgent Genetics
Classification: Uncertain significance for Familial Mediterranean fever, autosomal dominant; Familial Mediterranean fever; Acute febrile neutrophilic dermatosis. Last evaluated: 2021-11-11. Review status: criteria provided, single submitter. Criteria: ACMG Guidelines, 2015. Collection method: clinical testing. Allele origin: unknown.

Mendelics
Classification: Uncertain significance for Familial Mediterranean fever. Last evaluated: 2019-05-28. Review status: criteria provided, single submitter. Criteria: Mendelics Assertion Criteria 2017. Collection method: clinical testing. Allele origin: unknown.

Medical Genetics of Dicle University
No classification provided. Condition: Familial Mediterranean fever. Review status: no classification provided. Collection method: not provided. Allele origin: somatic. Not counted in ClinVar's aggregate classification.

Literature cited by the submitters: PubMed 25703702 (cited by Labcorp Genetics (formerly Invitae), Labcorp).